The following is an entry in ClinVar:

ClinVar aggregate classification (germline): Pathogenic (1 of 4 stars; one submission).

Conditions:
Recessive dystrophic epidermolysis bullosa (RDEB). Also called: DYSTROPHIC EPIDERMOLYSIS BULLOSA, AUTOSOMAL RECESSIVE; EPIDERMOLYSIS BULLOSA DYSTROPHICA, HALLOPEAU-SIEMENS TYPE; Hallopeau-Siemens Disease; severe generalized recessive dystrophic epidermolysis bullosa; EPIDERMOLYSIS BULLOSA DYSTROPHICA, GENERALIZED SEVERE, AUTOSOMAL RECESSIVE; Epidermolysis Bullosa Distrophica Autosomal Recessive (RDEB). Identifiers: Orphanet 79408, Orphanet 79409, MedGen C0079474, MONDO:0009179, OMIM 226600.

Submission:

Myriad Genetics, Inc.
Classification: Pathogenic for Recessive dystrophic epidermolysis bullosa. Last evaluated: 2025-10-09. Review status: criteria provided, single submitter. Criteria: Myriad Autosomal Dominant, Autosomal Recessive and X-Linked Classification Criteria (2023). Collection method: clinical testing. Allele origin: unknown.
Comment: NM_000094.3(COL7A1):c.2119_2132del14(T707Rfs*28) is expected to be pathogenic in the context of dystrophic epidermolysis bullosa. This variant is predicted to lead to an abnormal or absent protein product due to the creation of a premature termination codon in COL7A1, a gene where loss-of-function variants are known to be pathogenic. Please note: this variant was assessed in the context of healthy population screening.

NM_000094.4(COL7A1):c.2119_2132del (p.Thr707fs)

Gene: COL7A1 (collagen type VII alpha 1 chain; minus strand). Cytogenetic location: 3p21.31.
Variant type: Deletion.
Coding change: c.2119_2132del on transcript NM_000094.4 (MANE Select); coding-DNA positions 2119 to 2132, 14 bases deleted (ACCAGGGTTCCTGG).
Protein change: p.Thr707fs; shifts the reading frame from threonine 707.
Molecular consequence: frameshift variant.
Genome position (GRCh38, 1-based): chr3:48,589,637-48,589,650, CCAGGAACCCTGGT deleted on the plus strand (ACCAGGGTTCCTGG on the coding strand, the reverse complement: COL7A1 is on the minus strand); deleting any 14 consecutive bases within chr3:48,589,637-48,589,655 gives the same sequence; the c. name uses the placement nearest the transcript's 3' end. VCF-style (leftmost placement, unchanged base first): chr3-48589636-GCCAGGAACCCTGGT-G. GRCh37 (hg19) VCF-style: chr3-48627069-GCCAGGAACCCTGGT-G.
Other names: short protein forms T707fs.
Identifiers: ClinVar variation 5015068 (VCV005015068.1).
Genomic context (GRCh38, chr3:48,589,636, plus strand): 5'-CCCTCCCAAACCCCAGTCCCCACCGTGGGCTGAGTGCCAGGAAACCCTGTATCCTGTGGC[GCCAGGAACCCTGGT>G]CCAGGTAATGGTGACAGATGAGCTGCTGGCCTGAGTCACATGGACCGTCCTCACTGGGCC-3'